The following is an entry in ClinVar:

ClinVar aggregate classification (germline): Uncertain significance (1 of 4 stars; one submission).

Submission:

Women's Health and Genetics/Laboratory Corporation of America, LabCorp
Classification: Uncertain significance. Last evaluated: 2019-10-18. Review status: criteria provided, single submitter. Criteria: LabCorp Variant Classification Summary - May 2015. Collection method: clinical testing. Allele origin: germline.
Comment: Variant summary: TUBB6 c.90C>G (p.Ile30Met) results in a conservative amino acid change located in the Tubulin/FtsZ, GTPase domain (IPR003008) of the encoded protein sequence. Three of five in-silico tools predict a damaging effect of the variant on protein function. The variant was absent in 250398 control chromosomes (gnomAD). The available data on variant occurrences in the general population are insufficient to allow any conclusion about variant significance. To our knowledge, no occurrence of c.90C>G in individuals affected with Facial Palsy, Congenital, With Ptosis and Velopharyngeal Dysfunction and no experimental evidence demonstrating its impact on protein function have been reported. No clinical diagnostic laboratories have submitted clinical-significance assessments for this variant to ClinVar after 2014. Based on the evidence outlined above, the variant was classified as uncertain significance.

NM_032525.3(TUBB6):c.90C>G (p.Ile30Met)

Genes: TUBB6 (tubulin beta 6 class V; plus strand), LOC130062197 (ATAC-STARR-seq lymphoblastoid silent region 9310; plus strand). Cytogenetic location: 18p11.21.
Variant type: single nucleotide variant.
Coding change: c.90C>G on transcript NM_032525.3 (MANE Select); coding-DNA position 90, C replaced by G.
Protein change: p.Ile30Met; replaces isoleucine 30 with methionine.
Molecular consequence: missense variant. On other transcripts: 5 prime UTR variant (3), intron variant (1).
Genome position (GRCh38, 1-based): chr18:12,308,719, C>G. VCF-style: chr18-12308719-C-G. GRCh37 (hg19) VCF-style: chr18-12308718-C-G.
Other names: c.90C>G, p.Ile30Met (NM_001303524.1, NM_001303525.2, NM_001303526.2); c.-222C>G (NM_001303528.2); c.-607C>G (NM_001303529.3); c.-816C>G (NM_001303530.3); c.-51+370C>G (NM_001303527.2); short protein forms I30M.
Identifiers: ClinVar variation 928696 (VCV000928696.1), dbSNP rs1906161383, ClinGen allele CA401940029.
Genomic context (GRCh38, chr18:12,308,719, plus strand): 5'-TCTGTCCCCCCGCCTTGCCCTGCCCAAGTTTTGGGAAGTGATCAGCGATGAGCACGGCAT[C>G]GACCCGGCCGGAGGCTACGTGGGAGACTCGGCGCTGCAGCTGGAGAGAATCAACGTCTAC-3'
Protein context (NP_115914.1, residues 20-40): FWEVISDEHG[Ile30Met]DPAGGYVGDS